The following is an entry in ClinVar:

ClinVar aggregate classification (germline): Uncertain significance (1 of 4 stars; one submission).

Submission:

Labcorp Genetics (formerly Invitae), Labcorp
Classification: Uncertain significance. Last evaluated: 2025-09-08. Review status: criteria provided, single submitter. Criteria: Invitae Variant Classification Sherloc (09022015). Collection method: clinical testing. Allele origin: germline.
Comment: This sequence change falls in intron 10 of the SPTB gene. It does not directly change the encoded amino acid sequence of the SPTB protein. Information on the frequency of this variant in the gnomAD database is not available, as this variant may be reported differently in the database. This variant has not been reported in the literature in individuals affected with SPTB-related conditions. ClinVar contains an entry for this variant (Variation ID: 1900844). Experimental studies and prediction algorithms are not available or were not evaluated, and the effect of this variant on mRNA splicing is currently unknown. In summary, the available evidence is currently insufficient to determine the role of this variant in disease. Therefore, it has been classified as a Variant of Uncertain Significance.

NM_001355436.2(SPTB):c.1342-13_1342-12delinsAA

Gene: SPTB (spectrin beta, erythrocytic; minus strand). Cytogenetic location: 14q23.3.
Variant type: Indel.
Coding change: c.1342-13_1342-12delinsAA on transcript NM_001355436.2 (MANE Select); 13 bases into the intron before coding-DNA position 1342 through 12 bases into the intron before coding-DNA position 1342, CC replaced by AA.
Molecular consequence: intron variant.
Genome position (GRCh38, 1-based): chr14:64,795,651-64,795,652, GG replaced by TT on the plus strand (CC replaced by AA on the coding strand, the reverse complement: SPTB is on the minus strand). VCF-style: chr14-64795651-GG-TT. GRCh37 (hg19) VCF-style: chr14-65262369-GG-TT.
Other names: c.1342-13_1342-12delinsAA (NM_001024858.4, NM_001355437.2).
Identifiers: ClinVar variation 1900844 (VCV001900844.5), dbSNP rs2503175854, ClinGen allele CA2580088603.